The following is an entry in ClinVar:

NM_001466.4(FZD2):c.1662C>T (p.Arg554=)

Gene: FZD2 (frizzled class receptor 2; plus strand). Cytogenetic location: 17q21.31.
Variant type: single nucleotide variant.
Coding change: c.1662C>T on transcript NM_001466.4 (MANE Select); coding-DNA position 1662, C replaced by T.
Protein change: p.Arg554=; no amino-acid change (arginine 554 retained).
Molecular consequence: synonymous variant.
Genome position (GRCh38, 1-based): chr17:44,559,350, C>T. VCF-style: chr17-44559350-C-T. GRCh37 (hg19) VCF-style: chr17-42636718-C-T.
Identifiers: ClinVar variation 4753848 (VCV004753848.1).

ClinVar aggregate classification (germline): Uncertain significance (1 of 4 stars; one submission).

gnomAD v4.1: 5 of 1,611,038 alleles (0.00031%); highest among the groups gnomAD compares: East Asian, 0.011%; no homozygotes.

Submission:

Labcorp Genetics (formerly Invitae), Labcorp
Classification: Uncertain significance. Last evaluated: 2025-06-08. Review status: criteria provided, single submitter. Criteria: Invitae Variant Classification Sherloc (09022015). Collection method: clinical testing. Allele origin: germline.
Comment: This sequence change affects codon 554 of the FZD2 mRNA. It is a 'silent' change, meaning that it does not change the encoded amino acid sequence of the FZD2 protein. This variant is present in population databases (rs760148785, gnomAD 0.006%). This variant has not been reported in the literature in individuals affected with FZD2-related conditions. In summary, the available evidence is currently insufficient to determine the role of this variant in disease. Therefore, it has been classified as a Variant of Uncertain Significance.